The following is an entry in ClinVar:

ClinVar aggregate classification (germline): Likely benign (1 of 4 stars; one submission).

Conditions:
Familial thoracic aortic aneurysm and aortic dissection (TAAD). Also called: Thoracic aortic aneurysms and dissections. Identifiers: Orphanet 91387, MedGen C4707243, MONDO:0019625.

Submission:

All of Us Research Program, National Institutes of Health
Classification: Likely benign for Familial thoracic aortic aneurysm and aortic dissection. Last evaluated: 2024-03-24. Review status: criteria provided, single submitter. Criteria: ACMG Guidelines, 2015. Collection method: clinical testing. Allele origin: germline. Inheritance: Autosomal dominant inheritance. Observed: 1 variant allele, 1 heterozygote.
Comment: This study involves interpretation of variants in research participants for the purpose of population health screening. Participant phenotype was not available at the time of variant classification. Additional details can be found in publication PMID: 35346344, PMCID: PMC8962531

NM_002474.3(MYH11):c.1041G>A (p.Leu347=)

Gene: MYH11 (myosin heavy chain 11; minus strand). Cytogenetic location: 16p13.11.
Variant type: single nucleotide variant.
Coding change: c.1041G>A on transcript NM_002474.3 (MANE Select); coding-DNA position 1041, G replaced by A.
Protein change: p.Leu347=; no amino-acid change (leucine 347 retained).
Molecular consequence: synonymous variant.
Genome position (GRCh38, 1-based): chr16:15,763,884, C>T on the plus strand (G>A on the coding strand, the complement: MYH11 is on the minus strand). VCF-style: chr16-15763884-C-T. GRCh37 (hg19) VCF-style: chr16-15857741-C-T.
Other names: c.1062G>A, p.Leu354= (NM_001040113.2, NM_001040114.2); c.1041G>A, p.Leu347= (NM_022844.3).
Identifiers: ClinVar variation 3387247 (VCV003387247.1).